The following is an entry in ClinVar:

ClinVar aggregate classification (germline): Uncertain significance (1 of 4 stars; one submission).

Conditions:
Epidermolysis bullosa simplex 5B, with muscular dystrophy (EBS5B). Also called: Epidermolysis bullosa simplex with muscular dystrophy; EPIDERMOLYSIS BULLOSA SIMPLEX AND LIMB-GIRDLE MUSCULAR DYSTROPHY. Identifiers: Orphanet 257, MedGen C2931072, MONDO:0009181, OMIM 226670.
Epidermolysis bullosa simplex, Ogna type (EBS5A). Also called: Pidermolysis bullosa simplex 5A, Ogna type; EPIDERMOLYSIS BULLOSA SIMPLEX 5A, OGNA TYPE. Identifiers: Orphanet 79401, MedGen C0432317, MONDO:0007555, OMIM 131950.
Epidermolysis bullosa simplex with nail dystrophy (EBS5D). Identifiers: MedGen C4225309, MONDO:0014661, OMIM 616487.
Epidermolysis bullosa simplex 5C, with pyloric atresia (EBS5C). Also called: Epidermolysis bullosa simplex with pyloric atresia; PLEC-Related Epidermolysis Bullosa with Pyloric Atresia; PLEC1-Related Epidermolysis Bullosa with Pyloric Atresia. Identifiers: Orphanet 158684, MedGen C2677349, MONDO:0012807, OMIM 612138.
Autosomal recessive limb-girdle muscular dystrophy type 2Q (LGMDR17). Also called: MUSCULAR DYSTROPHY, LIMB-GIRDLE, AUTOSOMAL RECESSIVE 17. Identifiers: Orphanet 254361, MedGen C3150989, MONDO:0013390, OMIM 613723.

Allele frequency attached by ClinVar (database versions not stated): TOPMed below 0.00001; gnomAD 0.00001; gnomAD exomes 0.00001.
gnomAD v4.1: 21 of 1,536,150 alleles (0.0014%); highest among the groups gnomAD compares: African/African-American, 0.0027%; no homozygotes.

Submission:

Labcorp Genetics (formerly Invitae), Labcorp
Classification: Uncertain significance for Autosomal recessive limb-girdle muscular dystrophy type 2Q; Epidermolysis bullosa simplex, Ogna type; Epidermolysis bullosa simplex with nail dystrophy; Epidermolysis bullosa simplex 5C, with pyloric atresia; Epidermolysis bullosa simplex 5B, with muscular dystrophy. Last evaluated: 2021-11-23. Review status: criteria provided, single submitter. Criteria: Invitae Variant Classification Sherloc (09022015). Collection method: clinical testing. Allele origin: germline.
Comment: The frequency data for this variant in the population databases is considered unreliable, as metrics indicate poor data quality at this position in the gnomAD database. In summary, the available evidence is currently insufficient to determine the role of this variant in disease. Therefore, it has been classified as a Variant of Uncertain Significance. Algorithms developed to predict the effect of missense changes on protein structure and function are either unavailable or do not agree on the potential impact of this missense change (SIFT: "Tolerated"; PolyPhen-2: "Not Available"; Align-GVGD: "Class C0"). This variant has not been reported in the literature in individuals affected with PLEC-related conditions. This sequence change replaces alanine, which is neutral and non-polar, with valine, which is neutral and non-polar, at codon 1785 of the PLEC protein (p.Ala1785Val).

NM_201384.3(PLEC):c.5273C>T (p.Ala1758Val)

Gene: PLEC (plectin; minus strand). Cytogenetic location: 8q24.3.
Variant type: single nucleotide variant.
Coding change: c.5273C>T on transcript NM_201384.3 (MANE Select); coding-DNA position 5273, C replaced by T.
Protein change: p.Ala1758Val; replaces alanine 1758 with valine.
Molecular consequence: missense variant.
Genome position (GRCh38, 1-based): chr8:143,924,656, G>A on the plus strand (C>T on the coding strand, the complement: PLEC is on the minus strand). VCF-style: chr8-143924656-G-A. GRCh37 (hg19) VCF-style: chr8-144998824-G-A.
Other names: c.5354C>T, p.Ala1785Val (NM_000445.5); c.5231C>T, p.Ala1744Val (NM_201378.4); c.5207C>T, p.Ala1736Val (NM_201379.3); c.5684C>T, p.Ala1895Val (NM_201380.4); c.5177C>T, p.Ala1726Val (NM_201381.3); c.5273C>T, p.Ala1758Val (NM_201382.4); c.5285C>T, p.Ala1762Val (NM_201383.3); short protein forms A1895V, A1726V, A1762V, A1744V, A1736V, A1758V, A1785V.
Identifiers: ClinVar variation 1448495 (VCV001448495.6), dbSNP rs1283833230, ClinGen allele CA372546661.